The following is an entry in ClinVar:

ClinVar aggregate classification (germline): Likely benign. Review status: criteria provided, multiple submitters, no conflicts (2 of 4 stars). 3 submissions from 3 submitters: Likely benign (3). Last evaluated 2025-01-14.

Conditions:
Catecholaminergic polymorphic ventricular tachycardia (CVPT). Also called: Catecholamine-induced polymorphic ventricular tachycardia. Identifiers: Orphanet 3286, MedGen C5574922, MONDO:0017990.
Cardiomyopathy (CMYO). Also called: Cardiomyopathies. Identifiers: Orphanet 167848, MedGen C0878544, MONDO:0004994, HP:0001638. Inheritance: Various modes of inheritance.
Catecholaminergic polymorphic ventricular tachycardia 1. Also called: VENTRICULAR TACHYCARDIA, CATECHOLAMINERGIC POLYMORPHIC, 1, WITH OR WITHOUT ATRIAL DYSFUNCTION AND/OR DILATED CARDIOMYOPATHY; RYR2-Related Catecholaminergic Polymorphic Ventricular Tachycardia; VENTRICULAR TACHYCARDIA, STRESS-INDUCED POLYMORPHIC 1. Identifiers: Orphanet 3286, MedGen C1631597, MONDO:0011484, OMIM 604772.

Allele frequency attached by ClinVar (database versions not stated): gnomAD 0.00001; TOPMed 0.00001; gnomAD exomes 0.00002.
gnomAD v4.1: 35 of 1,551,480 alleles (0.0023%); highest among the groups gnomAD compares: Non-Finnish European, 0.0031%; no homozygotes.

Submissions (3):

Labcorp Genetics (formerly Invitae), Labcorp
Classification: Likely benign for Catecholaminergic polymorphic ventricular tachycardia 1. Last evaluated: 2025-01-14. Review status: criteria provided, single submitter. Criteria: Invitae Variant Classification Sherloc (09022015). Collection method: clinical testing. Allele origin: germline.

All of Us Research Program, National Institutes of Health
Classification: Likely benign for Catecholaminergic polymorphic ventricular tachycardia. Last evaluated: 2023-09-05. Review status: criteria provided, single submitter. Criteria: ACMG Guidelines, 2015. Collection method: clinical testing. Allele origin: germline. Inheritance: Autosomal dominant inheritance. Observed: 2 variant alleles, 2 heterozygotes.
Comment: This study involves interpretation of variants in research participants for the purpose of population health screening. Participant phenotype was not available at the time of variant classification. Additional details can be found in publication PMID: 35346344, PMCID: PMC8962531

Color Diagnostics, LLC DBA Color Health
Classification: Likely benign for Cardiomyopathy. Last evaluated: 2019-05-13. Review status: criteria provided, single submitter. Criteria: ACMG Guidelines, 2015. Collection method: clinical testing. Allele origin: germline.

NM_001035.3(RYR2):c.2719-10C>A

Gene: RYR2 (ryanodine receptor 2; plus strand). Cytogenetic location: 1q43.
Variant type: single nucleotide variant.
Coding change: c.2719-10C>A on transcript NM_001035.3 (MANE Select); 10 bases into the intron before coding-DNA position 2719, C replaced by A.
Molecular consequence: intron variant.
Genome position (GRCh38, 1-based): chr1:237,511,678, C>A. VCF-style: chr1-237511678-C-A. GRCh37 (hg19) VCF-style: chr1-237674978-C-A.
Identifiers: ClinVar variation 924939 (VCV000924939.13), dbSNP rs898992768, ClinGen allele CA39784359.